The following is an entry in ClinVar:

NM_001267550.2(TTN):c.96747G>A (p.Trp32249Ter)

Genes: TTN (titin; minus strand), TTN-AS1 (TTN antisense RNA 1; plus strand), LOC126806421 (CDK7 strongly-dependent group 2 enhancer GRCh37_chr2:179407630-179408829; plus strand). Cytogenetic location: 2q31.2.
Variant type: single nucleotide variant.
Coding change: c.96747G>A on transcript NM_001267550.2 (MANE Select); coding-DNA position 96747, G replaced by A.
Protein change: p.Trp32249Ter; replaces tryptophan 32249 with a stop codon.
Molecular consequence: nonsense.
Genome position (GRCh38, 1-based): chr2:178,543,226, C>T on the plus strand (G>A on the coding strand, the complement: TTN is on the minus strand). VCF-style: chr2-178543226-C-T. GRCh37 (hg19) VCF-style: chr2-179407953-C-T.
Other names: c.91824G>A, p.Trp30608Ter (NM_001256850.1); c.69552G>A, p.Trp23184Ter (NM_003319.4); c.89043G>A, p.Trp29681Ter (NM_133378.4); c.69927G>A, p.Trp23309Ter (NM_133432.3); c.70128G>A, p.Trp23376Ter (NM_133437.4); short protein forms W23184*, W23309*, W23376*, W29681*, W30608*, W32249*.
Identifiers: ClinVar variation 4531789 (VCV004531789.1).
Genomic context (GRCh38, chr2:178,543,226, plus strand): 5'-TTCATTTAAGGAAGTAACAGTGTGCTCTAGGACTGTGGGTTTTAAGGTGACAACCTTCAT[C>T]CATCTCTCTGTGCCAGCTTTGCAGGCCTCGAGAACATATCCAGTGAGTCGGCTACCACCA-3'

ClinVar aggregate classification (germline): Likely pathogenic (1 of 4 stars; one submission).

Conditions:
Dilated cardiomyopathy 1G (CMD1G). Identifiers: Orphanet 154, MedGen C1858763, MONDO:0011400, OMIM 604145.

Submission:

Victorian Clinical Genetics Services, Murdoch Childrens Research Institute
Classification: Likely pathogenic for Dilated cardiomyopathy 1G. Last evaluated: 2024-10-17. Review status: criteria provided, single submitter. Criteria: ACMG Guidelines, 2015. Collection method: clinical testing. Allele origin: germline. Affected: yes.
Comment: This variant is classified as Likely pathogenic. Evidence in support of pathogenic classification: Variant is predicted to cause nonsense-mediated decay (NMD) and loss of protein (premature termination codon is located at least 54 nucleotides upstream of the final exon-exon junction); Variant is absent from gnomAD (v2, v3 and v4); Other NMD-predicted variants comparable to the one identified in this case have strong previous evidence for pathogenicity (ClinVar). Additional information: This variant is heterozygous; This gene is associated with both recessive and dominant disease (OMIM); This variant has no previous evidence of pathogenicity; No published segregation evidence has been identified for this variant; No published functional evidence has been identified for this variant; Variant is located in the annotated A-band and the exon has a PSI score of 100% (PMID: 25589632). - Loss of function is a known mechanism of disease in this gene. In addition, dominant-negative is also a suggested mechanism. (PMID: 25589632); The condition associated with this gene has incomplete penetrance. Variants in this gene that result in a premature termination codon (PTC) are known to have reduced penetrance in DCM (PMID: 25589632); Inheritance information for this variant is not currently available in this individual.

Literature cited by the submitters: PubMed 25589632.